The following is an entry in ClinVar:

NM_000051.4(ATM):c.7167A>T (p.Ser2389=)

Genes: ATM (ATM serine/threonine kinase; plus strand), C11orf65 (chromosome 11 open reading frame 65; minus strand). Cytogenetic location: 11q22.3.
Variant type: single nucleotide variant.
Coding change: c.7167A>T on transcript NM_000051.4 (MANE Select); coding-DNA position 7167, A replaced by T.
Protein change: p.Ser2389=; no amino-acid change (serine 2389 retained).
Molecular consequence: synonymous variant. On other transcripts: intron variant (2).
Genome position (GRCh38, 1-based): chr11:108,329,098, A>T. VCF-style: chr11-108329098-A-T. GRCh37 (hg19) VCF-style: chr11-108199825-A-T.
Other names: c.7167A>T, p.Ser2389= (NM_001351834.2); c.641-20027T>A (NM_001330368.2); c.*38+6122T>A (NM_001351110.2).
Identifiers: ClinVar variation 3966186 (VCV003966186.1).
Genomic context (GRCh38, chr11:108,329,098, plus strand): 5'-AAATTATGATGGAGAAAGTAGTGATGAGCTAAGAAATGGAAAAATGAAGGCATTTCTCTC[A>T]TTAGCCCGGTTTTCAGATACTCAATACCAAAGAATTGAAAACTACATGAAATCATCGGAA-3'
Protein context (NP_000042.3, residues 2379-2399): LRNGKMKAFL[Ser2389=]LARFSDTQYQ

ClinVar aggregate classification (germline): Uncertain significance (1 of 4 stars; one submission).

Conditions:
Hereditary cancer-predisposing syndrome. Also called: Neoplastic Syndromes, Hereditary; Tumor predisposition; Hereditary Cancer Syndrome; Hereditary neoplastic syndrome. Identifiers: Orphanet 140162, MedGen C0027672, MeSH D009386, MONDO:0015356.

Submission:

Ambry Genetics
Classification: Uncertain significance for Hereditary cancer-predisposing syndrome. Last evaluated: 2025-04-11. Review status: criteria provided, single submitter. Criteria: Ambry Variant Classification Scheme 2023. Collection method: clinical testing. Allele origin: germline.
Comment: The c.7167A>T variant (also known as p.S2389S), located in coding exon 48 of the ATM gene, results from an A to T substitution at nucleotide position 7167. This nucleotide substitution does not change the Serine at codon 2389. However, this change occurs in the base pair of coding exon 48, which makes it likely to have some effect on normal mRNA splicing. This nucleotide position is not well conserved in available vertebrate species. In silico splice site analysis predicts that this alteration may result in the creation or strengthening of a novel splice acceptor site; however, direct evidence is insufficient at this time (Ambry internal data). Based on the available evidence, the clinical significance of this variant remains unclear.